The following is an entry in ClinVar:

NM_000346.4(SOX9):c.610T>G (p.Phe204Val)

Gene: SOX9 (SRY-box transcription factor 9; plus strand). Cytogenetic location: 17q24.3.
Variant type: single nucleotide variant.
Coding change: c.610T>G on transcript NM_000346.4 (MANE Select); coding-DNA position 610, T replaced by G.
Protein change: p.Phe204Val; replaces phenylalanine 204 with valine.
Molecular consequence: missense variant.
Genome position (GRCh38, 1-based): chr17:72,122,897, T>G. VCF-style: chr17-72122897-T-G. GRCh37 (hg19) VCF-style: chr17-70119038-T-G.
Other names: short protein forms F204V.
Identifiers: ClinVar variation 2708081 (VCV002708081.3), dbSNP rs754850647, ClinGen allele CA400866666.
Genomic context (GRCh38, chr17:72,122,897, plus strand): 5'-AACGGGCAGGCGGAGGCAGAGGAGGCCACGGAGCAGACGCACATCTCCCCCAACGCCATC[T>G]TCAAGGCGCTGCAGGCCGACTCGCCACACTCCTCCTCCGGCATGAGCGAGGTGCACTCCC-3'
Protein context (NP_000337.1, residues 194-214): EQTHISPNAI[Phe204Val]KALQADSPHS

ClinVar aggregate classification (germline): Uncertain significance (1 of 4 stars; one submission).

Conditions:
Camptomelic dysplasia (CMPD). Also called: CMPD1/SRA1; Campomelic Dysplasia. Identifiers: Orphanet 140, MedGen C1861922, MONDO:0007251, OMIM 114290.

Submission:

Labcorp Genetics (formerly Invitae), Labcorp
Classification: Uncertain significance for Camptomelic dysplasia. Last evaluated: 2024-01-07. Review status: criteria provided, single submitter. Criteria: Invitae Variant Classification Sherloc (09022015). Collection method: clinical testing. Allele origin: germline.
Comment: This sequence change replaces phenylalanine, which is neutral and non-polar, with valine, which is neutral and non-polar, at codon 204 of the SOX9 protein (p.Phe204Val). This variant is not present in population databases (gnomAD no frequency). This variant has not been reported in the literature in individuals affected with SOX9-related conditions. Advanced modeling of protein sequence and biophysical properties (such as structural, functional, and spatial information, amino acid conservation, physicochemical variation, residue mobility, and thermodynamic stability) performed at Invitae indicates that this missense variant is expected to disrupt SOX9 protein function with a positive predictive value of 80%. In summary, the available evidence is currently insufficient to determine the role of this variant in disease. Therefore, it has been classified as a Variant of Uncertain Significance.